The following is an entry in ClinVar:

ClinVar aggregate classification (germline): Uncertain significance (1 of 4 stars; one submission).

Conditions:
PURA-related severe neonatal hypotonia-seizures-encephalopathy syndrome (NEDRIHF). Also called: NEURODEVELOPMENTAL DISORDER WITH NEONATAL RESPIRATORY INSUFFICIENCY, HYPOTONIA, AND FEEDING DIFFICULTIES; PURA-Related Neurodevelopmental Disorders. Identifiers: Orphanet 438213, Orphanet 438216, MedGen C4015357, MONDO:1060108, OMIM 616158, MONDO:0018580.

Allele frequency attached by ClinVar (database versions not stated): ExAC 0.00001; gnomAD exomes 0.00001.
gnomAD v4.1: 13 of 1,608,978 alleles (0.00081%); highest among the groups gnomAD compares: Non-Finnish European, 0.001%; no homozygotes.

Submission:

Labcorp Genetics (formerly Invitae), Labcorp
Classification: Uncertain significance for PURA-related severe neonatal hypotonia-seizures-encephalopathy syndrome. Last evaluated: 2024-02-20. Review status: criteria provided, single submitter. Criteria: Invitae Variant Classification Sherloc (09022015). Collection method: clinical testing. Allele origin: germline.
Comment: This sequence change affects codon 147 of the PURA mRNA. It is a 'silent' change, meaning that it does not change the encoded amino acid sequence of the PURA protein. This variant is present in population databases (rs761291130, gnomAD 0.0009%). This variant has not been reported in the literature in individuals affected with PURA-related conditions. In summary, the available evidence is currently insufficient to determine the role of this variant in disease. Therefore, it has been classified as a Variant of Uncertain Significance.

NM_005859.5(PURA):c.441C>T (p.Phe147=)

Genes: PURA (purine rich element binding protein A; plus strand), LOC129994826 (ATAC-STARR-seq lymphoblastoid active region 23260; plus strand). Cytogenetic location: 5q31.3.
Variant type: single nucleotide variant.
Coding change: c.441C>T on transcript NM_005859.5 (MANE Select); coding-DNA position 441, C replaced by T.
Protein change: p.Phe147=; no amino-acid change (phenylalanine 147 retained).
Molecular consequence: synonymous variant.
Genome position (GRCh38, 1-based): chr5:140,114,622, C>T. VCF-style: chr5-140114622-C-T. GRCh37 (hg19) VCF-style: chr5-139494207-C-T.
Identifiers: ClinVar variation 2808241 (VCV002808241.3), dbSNP rs761291130, ClinGen allele CA3437463.